The following is an entry in ClinVar:

ClinVar aggregate classification (germline): Uncertain significance (1 of 4 stars; one submission).

Conditions:
Hereditary cancer-predisposing syndrome. Also called: Neoplastic Syndromes, Hereditary; Tumor predisposition; Hereditary Cancer Syndrome; Hereditary neoplastic syndrome. Identifiers: Orphanet 140162, MedGen C0027672, MeSH D009386, MONDO:0015356.

Submission:

Ambry Genetics
Classification: Uncertain significance for Hereditary cancer-predisposing syndrome. Last evaluated: 2023-06-12. Review status: criteria provided, single submitter. Criteria: Ambry Variant Classification Scheme 2023. Collection method: clinical testing. Allele origin: germline.
Comment: The p.L78I variant (also known as c.232T>A), located in coding exon 3 of the MRE11A gene, results from a T to A substitution at nucleotide position 232. The leucine at codon 78 is replaced by isoleucine, an amino acid with highly similar properties. This amino acid position is not well conserved in available vertebrate species. In addition, this alteration is predicted to be tolerated by in silico analysis. Since supporting evidence is limited at this time, the clinical significance of this alteration remains unclear.

NM_005591.4(MRE11):c.232T>A (p.Leu78Ile)

Gene: MRE11 (MRE11 double strand break repair nuclease; minus strand). Cytogenetic location: 11q21.
Variant type: single nucleotide variant.
Coding change: c.232T>A on transcript NM_005591.4 (MANE Select); coding-DNA position 232, T replaced by A.
Protein change: p.Leu78Ile; replaces leucine 78 with isoleucine.
Molecular consequence: missense variant.
Genome position (GRCh38, 1-based): chr11:94,486,006, A>T on the plus strand (T>A on the coding strand, the complement: MRE11 is on the minus strand). VCF-style: chr11-94486006-A-T. GRCh37 (hg19) VCF-style: chr11-94219172-A-T.
Other names: c.232T>A, p.Leu78Ile (NM_001330347.2, NM_005590.4); short protein forms L78I.
Identifiers: ClinVar variation 1799957 (VCV001799957.3), dbSNP rs1308023057, ClinGen allele CA382379592.